The following is an entry in ClinVar:

NM_000091.5(COL4A3):c.3370A>T (p.Lys1124Ter)

Genes: COL4A3 (collagen type IV alpha 3 chain; plus strand), MFF-DT (MFF divergent transcript; minus strand). Cytogenetic location: 2q36.3.
Variant type: single nucleotide variant.
Coding change: c.3370A>T on transcript NM_000091.5 (MANE Select); coding-DNA position 3370, A replaced by T.
Protein change: p.Lys1124Ter; replaces lysine 1124 with a stop codon.
Molecular consequence: nonsense.
Genome position (GRCh38, 1-based): chr2:227,294,522, A>T. VCF-style: chr2-227294522-A-T. GRCh37 (hg19) VCF-style: chr2-228159238-A-T.
Other names: short protein forms K1124*.
Identifiers: ClinVar variation 983596 (VCV000983596.3), dbSNP rs2072936529, ClinGen allele CA350858551.

ClinVar aggregate classification (germline): Likely pathogenic (1 of 4 stars; one submission).

Conditions:
Autosomal recessive Alport syndrome (ATS2). Also called: ALPORT SYNDROME 2, AUTOSOMAL RECESSIVE; Alport syndrome type 2; COL4A4 Alport Syndrome and Thin Basement Membrane Nephropathy; COL4A3-Related Nephropathy. Identifiers: Orphanet 63, Orphanet 88919, MedGen C4746745, MONDO:0008762, OMIM 203780.

Submission:

Myriad Genetics, Inc.
Classification: Likely pathogenic for Autosomal recessive Alport syndrome. Last evaluated: 2019-03-11. Review status: criteria provided, single submitter. Criteria: Myriad Women's Health Autosomal Recessive and X-Linked Classification Criteria (2019). Collection method: clinical testing. Allele origin: unknown.
Comment: NM_000091.4(COL4A3):c.3370A>T(K1124*) is expected to be pathogenic in the context of COL4A3-related Alport syndrome. This variant is predicted to lead to an abnormal or absent protein product due to the creation of a premature termination codon in COL4A3, a gene where loss-of-function variants are known to be pathogenic. Please note: this variant was assessed in the context of healthy population screening.